The following is an entry in ClinVar:

NM_001378457.1(DMXL2):c.1315G>T (p.Glu439Ter)

Gene: DMXL2 (Dmx like 2; minus strand). Cytogenetic location: 15q21.2.
Variant type: single nucleotide variant.
Coding change: c.1315G>T on transcript NM_001378457.1 (MANE Select); coding-DNA position 1315, G replaced by T.
Protein change: p.Glu439Ter; replaces glutamic acid 439 with a stop codon.
Molecular consequence: nonsense. On other transcripts: non-coding transcript variant (2), intron variant (1).
Genome position (GRCh38, 1-based): chr15:51,538,243, C>A on the plus strand (G>T on the coding strand, the complement: DMXL2 is on the minus strand). VCF-style: chr15-51538243-C-A. GRCh37 (hg19) VCF-style: chr15-51830440-C-A.
Other names: c.1315G>T, p.Glu439Ter (NM_001174116.3, NM_001174117.3, NM_001378458.1 and 6 more transcripts); c.1106-484G>T (NM_001378464.1); short protein forms E439*.
Identifiers: ClinVar variation 2754193 (VCV002754193.3), dbSNP rs2548614345, ClinGen allele CA392467910.

ClinVar aggregate classification (germline): Pathogenic (1 of 4 stars; one submission).

Submission:

Labcorp Genetics (formerly Invitae), Labcorp
Classification: Pathogenic. Last evaluated: 2023-08-20. Review status: criteria provided, single submitter. Criteria: Invitae Variant Classification Sherloc (09022015). Collection method: clinical testing. Allele origin: germline.
Comment: This sequence change creates a premature translational stop signal (p.Glu439*) in the DMXL2 gene. It is expected to result in an absent or disrupted protein product. Loss-of-function variants in DMXL2 are known to be pathogenic (PMID: 30237576, 31688942). This variant is not present in population databases (gnomAD no frequency). This variant has not been reported in the literature in individuals affected with DMXL2-related conditions. For these reasons, this variant has been classified as Pathogenic.

Literature cited by the submitters: PubMed 30237576; PubMed 31688942.